The following is an entry in ClinVar:

ClinVar aggregate classification (germline): Likely benign (0 of 4 stars; one submission).

Conditions:
KCNQ1-related disorder. Also called: KCNQ1-related condition; KCNQ1-related disorders. Identifiers: MedGen CN239322.

Submission:

PreventionGenetics, part of Exact Sciences
Classification: Likely benign for KCNQ1-related condition. Last evaluated: 2022-09-08. Review status: no assertion criteria provided. Collection method: clinical testing. Allele origin: germline.
Comment: This variant is classified as likely benign based on ACMG/AMP sequence variant interpretation guidelines (Richards et al. 2015 PMID: 25741868, with internal and published modifications).

NM_000218.3(KCNQ1):c.1394-13894_1394-13893dup

Genes: KCNQ1 (potassium voltage-gated channel subfamily Q member 1; plus strand), KCNQ1OT1 (KCNQ1 opposite strand/antisense transcript 1; minus strand). Cytogenetic location: 11p15.5.
Variant type: Duplication.
Coding change: c.1394-13894_1394-13893dup on transcript NM_000218.3 (MANE Select); 13894 bases into the intron before coding-DNA position 1394 through 13893 bases into the intron before coding-DNA position 1394, 2 bases duplicated (AA; older notation c.1394-13894_1394-13893dupAA).
Molecular consequence: intron variant. On other transcripts: non-coding transcript variant (1).
Genome position (GRCh38, 1-based): chr11:2,648,067-2,648,068, AA duplicated; duplicating any 2 consecutive bases within chr11:2,648,052-2,648,068 gives the same sequence; the c. name uses the placement nearest the transcript's 3' end. VCF-style (leftmost placement, unchanged base first): chr11-2648051-C-CAA. GRCh37 (hg19) VCF-style: chr11-2669281-C-CAA.
Other names: c.1124-13894_1124-13893dup (NM_001406837.1); c.1298-13894_1298-13893dup (NM_001406836.1); c.854-13894_854-13893dup (NM_001406838.1); c.1013-13894_1013-13893dup (NM_181798.2).
Identifiers: ClinVar variation 3037426 (VCV003037426.2), dbSNP rs34011245, ClinGen allele CA597442935.